The following is an entry in ClinVar:

NM_000156.6(GAMT):c.562A>G (p.Met188Val)

Gene: GAMT (guanidinoacetate N-methyltransferase; minus strand). Cytogenetic location: 19p13.3.
Variant type: single nucleotide variant.
Coding change: c.562A>G on transcript NM_000156.6 (MANE Select); coding-DNA position 562, A replaced by G.
Protein change: p.Met188Val; replaces methionine 188 with valine.
Molecular consequence: missense variant.
Genome position (GRCh38, 1-based): chr19:1,398,924, T>C on the plus strand (A>G on the coding strand, the complement: GAMT is on the minus strand). VCF-style: chr19-1398924-T-C. GRCh37 (hg19) VCF-style: chr19-1398923-T-C.
Other names: c.562A>G, p.Met188Val (NM_138924.3); short protein forms M188V.
Identifiers: ClinVar variation 572931 (VCV000572931.8), dbSNP rs1366312192, ClinGen allele CA402994039.

ClinVar aggregate classification (germline): Uncertain significance (1 of 4 stars; one submission).

Conditions:
Cerebral creatine deficiency syndrome. Also called: Creatine deficiency syndromes. Identifiers: Orphanet 79172, MedGen C5244016, MONDO:0000456.

Allele frequency attached by ClinVar (database versions not stated): gnomAD exomes below 0.00001 and 0.00001.

Submission:

Labcorp Genetics (formerly Invitae), Labcorp
Classification: Uncertain significance for Cerebral creatine deficiency syndrome. Last evaluated: 2023-07-20. Review status: criteria provided, single submitter. Criteria: Invitae Variant Classification Sherloc (09022015). Collection method: clinical testing. Allele origin: germline.
Comment: In summary, the available evidence is currently insufficient to determine the role of this variant in disease. Therefore, it has been classified as a Variant of Uncertain Significance. This variant disrupts the p.Met188 amino acid residue in GAMT. Other variant(s) that disrupt this residue have been determined to be pathogenic (PMID: 28438604). This suggests that this residue is clinically significant, and that variants that disrupt this residue are likely to be disease-causing. Advanced modeling of protein sequence and biophysical properties (such as structural, functional, and spatial information, amino acid conservation, physicochemical variation, residue mobility, and thermodynamic stability) has been performed at Invitae for this missense variant, however the output from this modeling did not meet the statistical confidence thresholds required to predict the impact of this variant on GAMT protein function. ClinVar contains an entry for this variant (Variation ID: 572931). This variant has not been reported in the literature in individuals affected with GAMT-related conditions. This variant is present in population databases (no rsID available, gnomAD 0.0009%). This sequence change replaces methionine, which is neutral and non-polar, with valine, which is neutral and non-polar, at codon 188 of the GAMT protein (p.Met188Val).

Literature cited by the submitters: PubMed 28438604.